The following is an entry in ClinVar:

ClinVar aggregate classification (germline): Uncertain significance (1 of 4 stars; one submission).

Conditions:
Congenital factor V deficiency. Also called: OWREN PARAHEMOPHILIA; PARAHEMOPHILIA; LABILE FACTOR DEFICIENCY; Hereditary factor V deficiency disease. Identifiers: Orphanet 326, MedGen C0015499, MONDO:0009210, OMIM 227400.

Submission:

Labcorp Genetics (formerly Invitae), Labcorp
Classification: Uncertain significance for Congenital factor V deficiency. Last evaluated: 2018-10-09. Review status: criteria provided, single submitter. Criteria: Invitae Variant Classification Sherloc (09022015). Collection method: clinical testing. Allele origin: germline.
Comment: In summary, the available evidence is currently insufficient to determine the role of this variant in disease. Therefore, it has been classified as a Variant of Uncertain Significance. Algorithms developed to predict the effect of missense changes on protein structure and function output the following: SIFT: "Tolerated"; PolyPhen-2: "Benign"; Align-GVGD: "Class C0". The threonine amino acid residue is found in multiple mammalian species, suggesting that this missense change does not adversely affect protein function. These predictions have not been confirmed by published functional studies and their clinical significance is uncertain. This variant has not been reported in the literature in individuals with F5-related disease. This variant is not present in population databases (ExAC no frequency). This sequence change replaces proline with threonine at codon 1545 of the F5 protein (p.Pro1545Thr). The proline residue is weakly conserved and there is a small physicochemical difference between proline and threonine.

NM_000130.5(F5):c.4633C>A (p.Pro1545Thr)

Gene: F5 (coagulation factor V; minus strand). Cytogenetic location: 1q24.2.
Variant type: single nucleotide variant.
Coding change: c.4633C>A on transcript NM_000130.5 (MANE Select); coding-DNA position 4633, C replaced by A.
Protein change: p.Pro1545Thr; replaces proline 1545 with threonine.
Molecular consequence: missense variant.
Genome position (GRCh38, 1-based): chr1:169,540,457, G>T on the plus strand (C>A on the coding strand, the complement: F5 is on the minus strand). VCF-style: chr1-169540457-G-T. GRCh37 (hg19) VCF-style: chr1-169509695-G-T.
Other names: short protein forms P1545T.
Identifiers: ClinVar variation 653984 (VCV000653984.6), dbSNP rs1571572391, ClinGen allele CA343142121.
Genomic context (GRCh38, chr1:169,540,457, plus strand): 5'-CAGGATCTCTGGAGGAGTTGATGTTTGTCCTAACATCAGTTTTGTAGGGGTCATCATAGG[G>T]CACATAATCAATTTCAGCATAGTCATCTTCACTGCTCTGGACCTCTTCCTTTGGAATGAT-3'
Protein context (NP_000121.2, residues 1535-1555): EDDYAEIDYV[Pro1545Thr]YDDPYKTDVR